The following is an entry in ClinVar:

NM_001001563.5(TIMM50):c.941G>A (p.Arg314Gln)

Gene: TIMM50 (translocase of inner mitochondrial membrane 50; plus strand). Cytogenetic location: 19q13.2.
Variant type: single nucleotide variant.
Coding change: c.941G>A on transcript NM_001001563.5 (MANE Select); coding-DNA position 941, G replaced by A.
Protein change: p.Arg314Gln; replaces arginine 314 with glutamine.
Molecular consequence: missense variant.
Genome position (GRCh38, 1-based): chr19:39,488,626, G>A. VCF-style: chr19-39488626-G-A. GRCh37 (hg19) VCF-style: chr19-39979266-G-A.
Other names: c.602G>A, p.Arg201Gln (NM_001329559.2); c.1250G>A (NM_001001563.1); short protein forms R314Q, R201Q.
Identifiers: ClinVar variation 1386557 (VCV001386557.4), dbSNP rs746734080, ClinGen allele CA308240860.

ClinVar aggregate classification (germline): Uncertain significance. Review status: criteria provided, multiple submitters, no conflicts (2 of 4 stars). 2 submissions from 2 submitters: Uncertain significance (2). Last evaluated 2024-01-17.

Conditions:
Inborn genetic diseases. Identifiers: MedGen C0950123, MeSH D030342.

Allele frequency attached by ClinVar (database versions not stated): gnomAD 0.00002 and 0.00001.

Submissions (2):

Ambry Genetics
Classification: Uncertain significance for Inborn genetic diseases. Last evaluated: 2024-01-17. Review status: criteria provided, single submitter. Criteria: Ambry Variant Classification Scheme 2023. Collection method: clinical testing. Allele origin: germline.

Labcorp Genetics (formerly Invitae), Labcorp
Classification: Uncertain significance. Last evaluated: 2022-02-10. Review status: criteria provided, single submitter. Criteria: Invitae Variant Classification Sherloc (09022015). Collection method: clinical testing. Allele origin: germline.
Comment: This sequence change replaces arginine, which is basic and polar, with glutamine, which is neutral and polar, at codon 417 of the TIMM50 protein (p.Arg417Gln). This variant is present in population databases (rs746734080, gnomAD 0.003%). This variant has not been reported in the literature in individuals affected with TIMM50-related conditions. Algorithms developed to predict the effect of missense changes on protein structure and function are either unavailable or do not agree on the potential impact of this missense change (SIFT: "Not Available"; PolyPhen-2: "Benign"; Align-GVGD: "Not Available"). In summary, the available evidence is currently insufficient to determine the role of this variant in disease. Therefore, it has been classified as a Variant of Uncertain Significance.